The following is an entry in ClinVar:

NM_001458.5(FLNC):c.4145G>A (p.Gly1382Asp)

Gene: FLNC (filamin C; plus strand). Cytogenetic location: 7q32.1.
Variant type: single nucleotide variant.
Coding change: c.4145G>A on transcript NM_001458.5 (MANE Select); coding-DNA position 4145, G replaced by A.
Protein change: p.Gly1382Asp; replaces glycine 1382 with aspartic acid.
Molecular consequence: missense variant.
Genome position (GRCh38, 1-based): chr7:128,846,762, G>A. VCF-style: chr7-128846762-G-A. GRCh37 (hg19) VCF-style: chr7-128486816-G-A.
Other names: c.4145G>A, p.Gly1382Asp (NM_001127487.2); short protein forms G1382D.
Identifiers: ClinVar variation 945111 (VCV000945111.10), dbSNP rs1808586180, ClinGen allele CA369200388.

ClinVar aggregate classification (germline): Uncertain significance (1 of 4 stars; one submission).

Conditions:
Myofibrillar myopathy 5. Also called: Filaminopathy (type); FILAMINOPATHY, AUTOSOMAL DOMINANT. Identifiers: Orphanet 171445, MedGen C1836050, MONDO:0012289, OMIM 609524.
Distal myopathy with posterior leg and anterior hand involvement. Also called: WILLIAMS DISTAL MYOPATHY. Identifiers: Orphanet 63273, MedGen C3279722, MONDO:0013550, OMIM 614065.
Hypertrophic cardiomyopathy 26. Also called: Cardiomyopathy, familial hypertrophic, 26. Identifiers: Orphanet 75249, MedGen C4310749, MONDO:0014883, OMIM 617047.

Submission:

Labcorp Genetics (formerly Invitae), Labcorp
Classification: Uncertain significance for Distal myopathy with posterior leg and anterior hand involvement; Myofibrillar myopathy 5; Hypertrophic cardiomyopathy 26. Last evaluated: 2022-11-21. Review status: criteria provided, single submitter. Criteria: Invitae Variant Classification Sherloc (09022015). Collection method: clinical testing. Allele origin: germline.
Comment: ClinVar contains an entry for this variant (Variation ID: 945111). Advanced modeling of protein sequence and biophysical properties (such as structural, functional, and spatial information, amino acid conservation, physicochemical variation, residue mobility, and thermodynamic stability) has been performed at Invitae for this missense variant, however the output from this modeling did not meet the statistical confidence thresholds required to predict the impact of this variant on FLNC protein function. This variant has not been reported in the literature in individuals affected with FLNC-related conditions. In summary, the available evidence is currently insufficient to determine the role of this variant in disease. Therefore, it has been classified as a Variant of Uncertain Significance. This sequence change replaces glycine, which is neutral and non-polar, with aspartic acid, which is acidic and polar, at codon 1382 of the FLNC protein (p.Gly1382Asp). This variant is not present in population databases (gnomAD no frequency).